The following is an entry in ClinVar:

NM_001378454.1(ALMS1):c.10842G>T (p.Gln3614His)

Gene: ALMS1 (ALMS1 centrosome and basal body associated protein; plus strand). Cytogenetic location: 2p13.1.
Variant type: single nucleotide variant.
Coding change: c.10842G>T on transcript NM_001378454.1 (MANE Select); coding-DNA position 10842, G replaced by T.
Protein change: p.Gln3614His; replaces glutamine 3614 with histidine.
Molecular consequence: missense variant.
Genome position (GRCh38, 1-based): chr2:73,572,719, G>T. VCF-style: chr2-73572719-G-T. GRCh37 (hg19) VCF-style: chr2-73799846-G-T.
Other names: c.10845G>T, p.Gln3615His (NM_015120.4); short protein forms Q3614H, Q3615H.
Identifiers: ClinVar variation 2719968 (VCV002719968.4), dbSNP rs1674964088, ClinGen allele CA347285813.
Genomic context (GRCh38, chr2:73,572,719, plus strand): 5'-CACTGTGAGTTTGAATGAACTGTGGAACAAGTATCGGGAGCGACAGAGGCAACAGAGACA[G>T]CCTGAGTTGGGTGACAGGAAAGAACTGTCCTTGGTGGACCGACTTGATCGTTTGGCTAAA-3'
Protein context (NP_001365383.1, residues 3604-3624): KYRERQRQQR[Gln3614His]PELGDRKELS

ClinVar aggregate classification (germline): Conflicting classifications of pathogenicity. Review status: criteria provided, conflicting classifications (1 of 4 stars). 2 submissions from 2 submitters: Uncertain significance (1); Likely benign (1). Last evaluated 2024-11-09.

Conditions:
Alstrom syndrome (ALMS). Identifiers: Orphanet 64, MedGen C0268425, MONDO:0008763, OMIM 203800.
Cardiovascular phenotype. Identifiers: MedGen CN230736.

Submissions (2):

Ambry Genetics
Classification: Likely benign for Cardiovascular phenotype. Last evaluated: 2024-11-09. Review status: criteria provided, single submitter. Criteria: Ambry Variant Classification Scheme 2023. Collection method: clinical testing. Allele origin: germline.

Labcorp Genetics (formerly Invitae), Labcorp
Classification: Uncertain significance for Alstrom syndrome. Last evaluated: 2023-05-25. Review status: criteria provided, single submitter. Criteria: Invitae Variant Classification Sherloc (09022015). Collection method: clinical testing. Allele origin: germline.
Comment: This sequence change replaces glutamine, which is neutral and polar, with histidine, which is basic and polar, at codon 3615 of the ALMS1 protein (p.Gln3615His). In summary, the available evidence is currently insufficient to determine the role of this variant in disease. Therefore, it has been classified as a Variant of Uncertain Significance. Experimental studies and prediction algorithms are not available or were not evaluated, and the functional significance of this variant is currently unknown. This variant has not been reported in the literature in individuals affected with ALMS1-related conditions. This variant is not present in population databases (gnomAD no frequency).